The following is an entry in ClinVar:

ClinVar aggregate classification (germline): Uncertain significance (1 of 4 stars; one submission).

Conditions:
Gastrointestinal stromal tumor. Also called: Gastrointestinal stroma tumor; Gastrointestinal stromal tumor, somatic. Identifiers: Orphanet 44890, MedGen C0238198, MeSH D046152, MONDO:0011719, OMIM 606764, HP:0100723.

Submission:

Labcorp Genetics (formerly Invitae), Labcorp
Classification: Uncertain significance for Gastrointestinal stromal tumor. Last evaluated: 2020-12-01. Review status: criteria provided, single submitter. Criteria: Invitae Variant Classification Sherloc (09022015). Collection method: clinical testing. Allele origin: germline.
Comment: This sequence change replaces methionine with leucine at codon 903 of the KIT protein (p.Met903Leu). The methionine residue is highly conserved and there is a small physicochemical difference between methionine and leucine. In summary, the available evidence is currently insufficient to determine the role of this variant in disease. Therefore, it has been classified as a Variant of Uncertain Significance. Algorithms developed to predict the effect of missense changes on protein structure and function are either unavailable or do not agree on the potential impact of this missense change (SIFT: "Deleterious"; PolyPhen-2: "Possibly Damaging"; Align-GVGD: "Class C0"). This variant has not been reported in the literature in individuals with KIT-related conditions. This variant is not present in population databases (ExAC no frequency).

NM_000222.3(KIT):c.2707A>C (p.Met903Leu)

Gene: KIT (KIT proto-oncogene, receptor tyrosine kinase; plus strand). Cytogenetic location: 4q12.
Variant type: single nucleotide variant.
Coding change: c.2707A>C on transcript NM_000222.3 (MANE Select); coding-DNA position 2707, A replaced by C.
Protein change: p.Met903Leu; replaces methionine 903 with leucine.
Molecular consequence: missense variant.
Genome position (GRCh38, 1-based): chr4:54,737,185, A>C. VCF-style: chr4-54737185-A-C. GRCh37 (hg19) VCF-style: chr4-55603351-A-C.
Other names: c.2695A>C, p.Met899Leu (NM_001093772.2, NM_001385292.1); c.2710A>C, p.Met904Leu (NM_001385284.1); c.2704A>C, p.Met902Leu (NM_001385285.1); c.2692A>C, p.Met898Leu (NM_001385286.1); c.2698A>C, p.Met900Leu (NM_001385288.1); c.2707A>C, p.Met903Leu (NM_001385290.1); short protein forms M898L, M902L, M900L, M903L, M899L, M904L.
Identifiers: ClinVar variation 1352513 (VCV001352513.8), dbSNP rs779966930, ClinGen allele CA356914213.